The following is an entry in ClinVar:

ClinVar aggregate classification (germline): not provided (0 of 4 stars; one submission).

Conditions:
Large for gestational age. Identifiers: MedGen C1848395, HP:0001520.

Submission:

Institute of Molecular and Cell Biology, University of Tartu
No classification provided. Condition: Large for gestational age. Review status: no classification provided. Collection method: case-control. Allele origin: unknown. Affected: yes. Study: Kasak2014.
Comment: The study aimed to determine the contribution of copy number variants in the genetic etiology of normal and complicated pregnancies. The samples represented (i) maternal blood DNA drawn from healthy pregnant women during 1st or 2nd trimester and (ii) maternal and paternal blood DNA drawn at term pregnancy cases representing normal and complicated gestations (severe preeclampsia, PE; gestational diabetes, GD; small-for-gestational age newborn, SGA; large-for-gestational age newborn, LGA). We performed CNV calling based on genome-wide genotyping dataset (Illumina HumanOmniExpress-24-v1 BeadChip) by applying three algorithms, QuantiSNP, GADA (Genome Alteration Detection Algorithm) and CNstream in parallel. The acquired CNV calls were merged with HD-CNV (Hotspot Detector for Copy Number Variants) program and only the CNVs predicted by at least two programs, were considered in subsequent analysis.

Literature cited by the submitters: PubMed 25666259.

Single allele

Variant type: Deletion.
Identifiers: ClinVar variation 156987 (VCV000156987.2).